The following is an entry in ClinVar:

NM_001498.4(GCLC):c.1499G>A (p.Gly500Asp)

Genes: GCLC (glutamate-cysteine ligase catalytic subunit; minus strand), GCLC-AS1 (GCLC antisense RNA 1; plus strand). Cytogenetic location: 6p12.1.
Variant type: single nucleotide variant.
Coding change: c.1499G>A on transcript NM_001498.4 (MANE Select); coding-DNA position 1499, G replaced by A.
Protein change: p.Gly500Asp; replaces glycine 500 with aspartic acid.
Molecular consequence: missense variant.
Genome position (GRCh38, 1-based): chr6:53,500,329, C>T on the plus strand (G>A on the coding strand, the complement: GCLC is on the minus strand). VCF-style: chr6-53500329-C-T. GRCh37 (hg19) VCF-style: chr6-53365127-C-T.
Other names: p.Gly500Asp; c.1385G>A, p.Gly462Asp (NM_001197115.2); short protein forms G500D, G462D.
Identifiers: ClinVar variation 1448042 (VCV001448042.9), dbSNP rs199934217, ClinGen allele CA3860047.
Genomic context (GRCh38, chr6:53,500,329, plus strand): 5'-ATGCTCATGAGGGTGTACTCCTCTGCAGCGAGCTCCGTGCTGTTCTGGGCCTTGCCACAA[C>T]CATCCACCACTGCATTGCCACCTGCCGGAGAAGAGGGTCAGGGGAGCTTTAGCAGCTTGT-3'
Protein context (NP_001489.1, residues 490-510): ICKGGNAVVD[Gly500Asp]CGKAQNSTEL

ClinVar aggregate classification (germline): Uncertain significance. Review status: criteria provided, multiple submitters, no conflicts (2 of 4 stars). 5 submissions from 5 submitters: Uncertain significance (5). Last evaluated 2024-10-01.

Conditions:
Gamma-glutamylcysteine synthetase deficiency (CNSHA7). Also called: ANEMIA, CONGENITAL, NONSPHEROCYTIC HEMOLYTIC, 7. Identifiers: Orphanet 33574, MedGen C1856603, MONDO:0009259, OMIM 230450.

Allele frequency attached by ClinVar (database versions not stated): gnomAD exomes 0.00008 and 0.00012; ExAC 0.00010; TOPMed 0.00012; gnomAD 0.00013 and 0.00016; ESP Exome Variant Server 0.00015.
gnomAD v4.1: 148 of 1,614,082 alleles (0.0092%); highest among the groups gnomAD compares: Middle Eastern, 0.066%; no homozygotes.

Submissions (5):

Mayo Clinic Laboratories, Mayo Clinic
Classification: Uncertain significance. Last evaluated: 2024-10-01. Review status: criteria provided, single submitter. Criteria: ACMG Guidelines, 2015. Collection method: clinical testing. Allele origin: germline. Observed: 1 variant allele.
Comment: BP4

Blueprint Genetics
Classification: Uncertain significance. Last evaluated: 2024-08-09. Review status: criteria provided, single submitter. Criteria: ACMG Guidelines, 2015. Collection method: clinical testing. Allele origin: germline.

Revvity Omics, Revvity
Classification: Uncertain significance for Gamma-glutamylcysteine synthetase deficiency. Last evaluated: 2024-02-27. Review status: criteria provided, single submitter. Criteria: ACMG Guidelines, 2015. Collection method: clinical testing. Allele origin: germline.

Labcorp Genetics (formerly Invitae), Labcorp
Classification: Uncertain significance. Last evaluated: 2021-09-17. Review status: criteria provided, single submitter. Criteria: Invitae Variant Classification Sherloc (09022015). Collection method: clinical testing. Allele origin: germline.
Comment: This sequence change replaces glycine with aspartic acid at codon 500 of the GCLC protein (p.Gly500Asp). The glycine residue is highly conserved and there is a moderate physicochemical difference between glycine and aspartic acid. This variant is present in population databases (rs199934217, ExAC 0.02%). This variant has not been reported in the literature in individuals affected with GCLC-related conditions. Algorithms developed to predict the effect of missense changes on protein structure and function are either unavailable or do not agree on the potential impact of this missense change (SIFT: "Deleterious"; PolyPhen-2: "Benign"; Align-GVGD: "Class C0"). In summary, the available evidence is currently insufficient to determine the role of this variant in disease. Therefore, it has been classified as a Variant of Uncertain Significance.

Breakthrough Genomics
Classification: Uncertain significance. Review status: criteria provided, single submitter. Criteria: ACMG Guidelines, 2015. Collection method: not provided. Allele origin: germline. Inheritance: Autosomal recessive inheritance. Affected: yes.